The following is an entry in ClinVar:

NC_000013.11:g.76992058C>A

Gene: CLN5 (CLN5 lysosomal BMP synthase; plus strand). Cytogenetic location: 13q22.3.
Variant type: single nucleotide variant.
Molecular consequence: nonsense (on NM_006493.2).
Genome position: GRCh38 VCF-style: chr13-76992058-C-A. GRCh37 (hg19) VCF-style: chr13-77566193-C-A.
Other names: c.107C>A, p.Ser36Ter (NM_006493.2); short protein forms S36*.
Identifiers: ClinVar variation 2190456 (VCV002190456.1), dbSNP rs757666244, ClinGen allele CA388306023.

ClinVar aggregate classification (germline): Uncertain significance (1 of 4 stars; one submission).

Conditions:
Neuronal ceroid lipofuscinosis. Also called: Neuronal Ceroid Lipofuscinoses. Identifiers: Orphanet 216, Orphanet 79263, MedGen C0027877, MONDO:0016295. Disease mechanism: loss of function.

Submission:

Labcorp Genetics (formerly Invitae), Labcorp
Classification: Uncertain significance for Neuronal ceroid lipofuscinosis. Last evaluated: 2022-04-12. Review status: criteria provided, single submitter. Criteria: Invitae Variant Classification Sherloc (09022015). Collection method: clinical testing. Allele origin: germline.
Comment: This sequence change creates a premature translational stop signal (p.Ser36*) in the CLN5 gene. While this is not anticipated to result in nonsense mediated decay, it is expected to disrupt the last 372 amino acid(s) of the CLN5 protein. This variant is not present in population databases (gnomAD no frequency). This variant has not been reported in the literature in individuals affected with CLN5-related conditions. Algorithms developed to predict the effect of sequence changes on RNA splicing suggest that this variant may create or strengthen a splice site. In summary, the available evidence is currently insufficient to determine the role of this variant in disease. Therefore, it has been classified as a Variant of Uncertain Significance.